The following is an entry in ClinVar:

ClinVar aggregate classification (germline): Uncertain significance (1 of 4 stars; one submission).

Allele frequency attached by ClinVar (database versions not stated): gnomAD exomes below 0.00001; gnomAD 0.00001; TOPMed 0.00001.
gnomAD v4.1: 4 of 1,554,054 alleles (0.00026%); highest among the groups gnomAD compares: African/African-American, 0.0055%; no homozygotes.

Submission:

Labcorp Genetics (formerly Invitae), Labcorp
Classification: Uncertain significance. Last evaluated: 2025-12-08. Review status: criteria provided, single submitter. Criteria: Invitae Variant Classification Sherloc (09022015). Collection method: clinical testing. Allele origin: germline.
Comment: This sequence change replaces glutamine, which is neutral and polar, with proline, which is neutral and non-polar, at codon 1108 of the CEP250 protein (p.Gln1108Pro). This variant is not present in population databases (gnomAD no frequency). This variant has not been reported in the literature in individuals affected with CEP250-related conditions. ClinVar contains an entry for this variant (Variation ID: 1481693). An algorithm developed to predict the effect of missense changes on protein structure and function (PolyPhen-2) suggests that this variant is likely to be disruptive. In summary, the available evidence is currently insufficient to determine the role of this variant in disease. Therefore, it has been classified as a Variant of Uncertain Significance.

NM_007186.6(CEP250):c.3323A>C (p.Gln1108Pro)

Gene: CEP250 (centrosomal protein 250; plus strand). Cytogenetic location: 20q11.22.
Variant type: single nucleotide variant.
Coding change: c.3323A>C on transcript NM_007186.6 (MANE Select); coding-DNA position 3323, A replaced by C.
Protein change: p.Gln1108Pro; replaces glutamine 1108 with proline.
Molecular consequence: missense variant.
Genome position (GRCh38, 1-based): chr20:35,497,735, A>C. VCF-style: chr20-35497735-A-C. GRCh37 (hg19) VCF-style: chr20-34085564-A-C.
Other names: c.1427A>C, p.Gln476Pro (NM_001318219.1); short protein forms Q1108P, Q476P.
Identifiers: ClinVar variation 1481693 (VCV001481693.8), dbSNP rs1003254873, ClinGen allele CA314156371.